The following is an entry in ClinVar:

ClinVar aggregate classification (germline): Uncertain significance (1 of 4 stars; one submission).

Allele frequency attached by ClinVar (database versions not stated): ExAC 0.00005; TOPMed 0.00002; gnomAD exomes 0.00003.
gnomAD v4.1: 56 of 1,613,522 alleles (0.0035%); highest among the groups gnomAD compares: Non-Finnish European, 0.0047%; no homozygotes.

Submission:

Labcorp Genetics (formerly Invitae), Labcorp
Classification: Uncertain significance. Last evaluated: 2022-01-13. Review status: criteria provided, single submitter. Criteria: Invitae Variant Classification Sherloc (09022015). Collection method: clinical testing. Allele origin: germline.
Comment: This sequence change replaces proline, which is neutral and non-polar, with alanine, which is neutral and non-polar, at codon 165 of the IMPAD1 protein (p.Pro165Ala). This variant is present in population databases (rs755239746, gnomAD 0.006%). This variant has not been reported in the literature in individuals affected with IMPAD1-related conditions. ClinVar contains an entry for this variant (Variation ID: 1019860). Algorithms developed to predict the effect of missense changes on protein structure and function (SIFT, PolyPhen-2, Align-GVGD) all suggest that this variant is likely to be tolerated. In summary, the available evidence is currently insufficient to determine the role of this variant in disease. Therefore, it has been classified as a Variant of Uncertain Significance.

NM_017813.5(BPNT2):c.493C>G (p.Pro165Ala)

Gene: BPNT2 (3'(2'), 5'-bisphosphate nucleotidase 2; minus strand). Cytogenetic location: 8q12.1.
Variant type: single nucleotide variant.
Coding change: c.493C>G on transcript NM_017813.5 (MANE Select); coding-DNA position 493, C replaced by G.
Protein change: p.Pro165Ala; replaces proline 165 with alanine.
Molecular consequence: missense variant.
Genome position (GRCh38, 1-based): chr8:56,980,092, G>C on the plus strand (C>G on the coding strand, the complement: BPNT2 is on the minus strand). VCF-style: chr8-56980092-G-C. GRCh37 (hg19) VCF-style: chr8-57892651-G-C.
Other names: short protein forms P165A.
Identifiers: ClinVar variation 1019860 (VCV001019860.6), dbSNP rs755239746, ClinGen allele CA4755907.